The following is an entry in ClinVar:

ClinVar aggregate classification (germline): Uncertain significance (1 of 4 stars; one submission).

Submission:

Labcorp Genetics (formerly Invitae), Labcorp
Classification: Uncertain significance. Last evaluated: 2020-02-05. Review status: criteria provided, single submitter. Criteria: Invitae Variant Classification Sherloc (09022015). Collection method: clinical testing. Allele origin: germline.
Comment: In summary, the available evidence is currently insufficient to determine the role of this variant in disease. Therefore, it has been classified as a Variant of Uncertain Significance. This variant has not been reported in the literature in individuals with POLE-related conditions. This variant results in a copy number gain of the genomic region encompassing exons 2-6 of the POLE gene. While the exact position of this variant cannot be determined from this data, sub-genic copy number gains are generally in tandem (PMID: 25640679). This variant would be expected to be in-frame, preserving the integrity of the reading frame.

Literature cited by the submitters: PubMed 25640679.

NC_000012.11:g.(?_133256073)_(133257875_?)dup

Gene: POLE (DNA polymerase epsilon, catalytic subunit; minus strand). Cytogenetic location: 12q24.33.
Variant type: Duplication.
Identifiers: ClinVar variation 1020380 (VCV001020380.5).